The following is an entry in ClinVar:

NM_014363.6(SACS):c.4651G>A (p.Asp1551Asn)

Gene: SACS (sacsin molecular chaperone; minus strand). Cytogenetic location: 13q12.12.
Variant type: single nucleotide variant.
Coding change: c.4651G>A on transcript NM_014363.6 (MANE Select); coding-DNA position 4651, G replaced by A.
Protein change: p.Asp1551Asn; replaces aspartic acid 1551 with asparagine.
Molecular consequence: missense variant.
Genome position (GRCh38, 1-based): chr13:23,339,225, C>T on the plus strand (G>A on the coding strand, the complement: SACS is on the minus strand). VCF-style: chr13-23339225-C-T. GRCh37 (hg19) VCF-style: chr13-23913364-C-T.
Other names: c.4210G>A, p.Asp1404Asn (NM_001278055.2); short protein forms D1404N, D1551N.
Identifiers: ClinVar variation 2086488 (VCV002086488.4), dbSNP rs2542278867, ClinGen allele CA387528103.

ClinVar aggregate classification (germline): Uncertain significance (1 of 4 stars; one submission).

Conditions:
Spastic paraplegia. Identifiers: MedGen C0037772, HP:0001258.

Allele frequency attached by ClinVar (database versions not stated): gnomAD exomes below 0.00001.
gnomAD v4.1: 1 of 1,610,342 alleles (0.000062%); highest among the groups gnomAD compares: Non-Finnish European, 0.000085%; no homozygotes.

Submission:

Labcorp Genetics (formerly Invitae), Labcorp
Classification: Uncertain significance for Spastic paraplegia. Last evaluated: 2022-01-16. Review status: criteria provided, single submitter. Criteria: Invitae Variant Classification Sherloc (09022015). Collection method: clinical testing. Allele origin: germline.
Comment: This sequence change replaces aspartic acid, which is acidic and polar, with asparagine, which is neutral and polar, at codon 1551 of the SACS protein (p.Asp1551Asn). This variant is not present in population databases (gnomAD no frequency). This variant has not been reported in the literature in individuals affected with SACS-related conditions. Advanced modeling of protein sequence and biophysical properties (such as structural, functional, and spatial information, amino acid conservation, physicochemical variation, residue mobility, and thermodynamic stability) performed at Invitae indicates that this missense variant is not expected to disrupt SACS protein function. In summary, the available evidence is currently insufficient to determine the role of this variant in disease. Therefore, it has been classified as a Variant of Uncertain Significance.